The following is an entry in ClinVar:

ClinVar aggregate classification (germline): Uncertain significance (1 of 4 stars; one submission).

gnomAD v4.1: 1 of 1,613,842 alleles (0.000062%); highest among the groups gnomAD compares: Admixed American, 0.0017%; no homozygotes.

Submission:

Labcorp Genetics (formerly Invitae), Labcorp
Classification: Uncertain significance. Last evaluated: 2025-07-13. Review status: criteria provided, single submitter. Criteria: Invitae Variant Classification Sherloc (09022015). Collection method: clinical testing. Allele origin: germline.
Comment: This sequence change replaces glutamine, which is neutral and polar, with arginine, which is basic and polar, at codon 71 of the TRPV6 protein (p.Gln71Arg). This variant is present in population databases (no rsID available, gnomAD 0.003%). This variant has not been reported in the literature in individuals affected with TRPV6-related conditions. ClinVar contains an entry for this variant (Variation ID: 3681740). An algorithm developed to predict the effect of missense changes on protein structure and function outputs the following: PolyPhen-2: "Not Available". The arginine amino acid residue is found in multiple mammalian species, which suggests that this missense change does not adversely affect protein function. In summary, the available evidence is currently insufficient to determine the role of this variant in disease. Therefore, it has been classified as a Variant of Uncertain Significance.

NM_018646.6(TRPV6):c.212A>G (p.Gln71Arg)

Gene: TRPV6 (transient receptor potential cation channel subfamily V member 6; minus strand). Cytogenetic location: 7q34.
Variant type: single nucleotide variant.
Coding change: c.212A>G on transcript NM_018646.6 (MANE Select); coding-DNA position 212, A replaced by G.
Protein change: p.Gln71Arg; replaces glutamine 71 with arginine.
Molecular consequence: missense variant.
Genome position (GRCh38, 1-based): chr7:142,885,425, T>C on the plus strand (A>G on the coding strand, the complement: TRPV6 is on the minus strand). VCF-style: chr7-142885425-T-C. GRCh37 (hg19) VCF-style: chr7-142583170-T-C.
Other names: short protein forms Q71R.
Identifiers: ClinVar variation 3681740 (VCV003681740.2).
Genomic context (GRCh38, chr7:142,885,425, plus strand): 5'-GGGAGCAGACCAAGGGGGCCTTACCTCTTCTGCTGCAGCAGGTTCTGCTCATCTCGGCTC[T>C]GGGCCCAGGACTCCCGTCTCTGGAACCATCTGCAGAACTTGCTCCATAGGCAGAGAATTA-3'
Protein context (NP_061116.5, residues 61-81): RWFQRRESWA[Gln71Arg]SRDEQNLLQQ